The following is an entry in ClinVar:

NM_177972.3(TUB):c.469G>C (p.Gly157Arg)

Genes: TUB (TUB bipartite transcription factor; plus strand), RIC3 (RIC3 acetylcholine receptor chaperone; minus strand). Cytogenetic location: 11p15.4.
Variant type: single nucleotide variant.
Coding change: c.469G>C on transcript NM_177972.3 (MANE Select); coding-DNA position 469, G replaced by C.
Protein change: p.Gly157Arg; replaces glycine 157 with arginine.
Molecular consequence: missense variant.
Genome position (GRCh38, 1-based): chr11:8,095,569, G>C. VCF-style: chr11-8095569-G-C. GRCh37 (hg19) VCF-style: chr11-8117116-G-C.
Other names: c.634G>C (NM_003320.4); c.634G>C, p.Gly212Arg (NM_003320.5); short protein forms G157R, G212R.
Identifiers: ClinVar variation 1446485 (VCV001446485.9), dbSNP rs1354337193, ClinGen allele CA379566176.

ClinVar aggregate classification (germline): Uncertain significance. Review status: criteria provided, multiple submitters, no conflicts (2 of 4 stars). 2 submissions from 2 submitters: Uncertain significance (2). Last evaluated 2026-08-03.

Conditions:
TUB-related disorder. Also called: TUB-related condition.

Allele frequency attached by ClinVar (database versions not stated): gnomAD exomes below 0.00001; TOPMed below 0.00001; gnomAD 0.00001.
gnomAD v4.1: 3 of 1,613,092 alleles (0.00019%); highest among the groups gnomAD compares: Admixed American, 0.005%; no homozygotes.

Submissions (2):

PreventionGenetics, part of Exact Sciences
Classification: Uncertain significance for TUB-related condition. Last evaluated: 2026-08-03. Review status: criteria provided, single submitter. Criteria: ACMG Guidelines, 2015. Collection method: clinical testing. Allele origin: germline.
Comment: The TUB c.634G>C variant is predicted to result in the amino acid substitution p.Gly212Arg. To our knowledge, this variant has not been reported in the literature. This variant is reported in 0.0029% of alleles in individuals of Latino descent in gnomAD. At this time, the clinical significance of this variant is uncertain due to the absence of conclusive functional and genetic evidence.

Labcorp Genetics (formerly Invitae), Labcorp
Classification: Uncertain significance. Last evaluated: 2024-02-17. Review status: criteria provided, single submitter. Criteria: Invitae Variant Classification Sherloc (09022015). Collection method: clinical testing. Allele origin: germline.
Comment: This sequence change replaces glycine, which is neutral and non-polar, with arginine, which is basic and polar, at codon 212 of the TUB protein (p.Gly212Arg). This variant is present in population databases (no rsID available, gnomAD 0.003%). This variant has not been reported in the literature in individuals affected with TUB-related conditions. ClinVar contains an entry for this variant (Variation ID: 1446485). An algorithm developed to predict the effect of missense changes on protein structure and function (PolyPhen-2) suggests that this variant is likely to be disruptive. In summary, the available evidence is currently insufficient to determine the role of this variant in disease. Therefore, it has been classified as a Variant of Uncertain Significance.